The following is an entry in ClinVar:

NM_000094.4(COL7A1):c.3035C>T (p.Ser1012Phe)

Gene: COL7A1 (collagen type VII alpha 1 chain; minus strand). Cytogenetic location: 3p21.31.
Variant type: single nucleotide variant.
Coding change: c.3035C>T on transcript NM_000094.4 (MANE Select); coding-DNA position 3035, C replaced by T.
Protein change: p.Ser1012Phe; replaces serine 1012 with phenylalanine.
Molecular consequence: missense variant.
Genome position (GRCh38, 1-based): chr3:48,587,294, G>A on the plus strand (C>T on the coding strand, the complement: COL7A1 is on the minus strand). VCF-style: chr3-48587294-G-A. GRCh37 (hg19) VCF-style: chr3-48624727-G-A.
Other names: short protein forms S1012F.
Identifiers: ClinVar variation 2237378 (VCV002237378.4), dbSNP rs893823048, ClinGen allele CA73985880.
Genomic context (GRCh38, chr3:48,587,294, plus strand): 5'-AGGACAGGCGTCAGGGAGAAGATGTAAGAGACGCCAGGCTCTAGCCCTGTCACCCGCTGG[G>A]AGCTTGAGATCCCTGGAAGTGTCTGCGGGGACCCAGGCACTTCTGCAGGAGACAGAACTT-3'
Protein context (NP_000085.1, residues 1002-1022): SPQTLPGISS[Ser1012Phe]QRVTGLEPGV

ClinVar aggregate classification (germline): Uncertain significance. Review status: criteria provided, multiple submitters, no conflicts (2 of 4 stars). 2 submissions from 2 submitters: Uncertain significance (2). Last evaluated 2025-01-20.

Conditions:
Inborn genetic diseases. Identifiers: MedGen C0950123, MeSH D030342.

Allele frequency attached by ClinVar (database versions not stated): gnomAD exomes below 0.00001.
gnomAD v4.1: 4 of 1,606,140 alleles (0.00025%); highest among the groups gnomAD compares: Non-Finnish European, 0.00034%; no homozygotes.

Submissions (2):

Labcorp Genetics (formerly Invitae), Labcorp
Classification: Uncertain significance. Last evaluated: 2025-01-20. Review status: criteria provided, single submitter. Criteria: Invitae Variant Classification Sherloc (09022015). Collection method: clinical testing. Allele origin: germline.
Comment: This sequence change replaces serine, which is neutral and polar, with phenylalanine, which is neutral and non-polar, at codon 1012 of the COL7A1 protein (p.Ser1012Phe). This variant is not present in population databases (gnomAD no frequency). This variant has not been reported in the literature in individuals affected with COL7A1-related conditions. ClinVar contains an entry for this variant (Variation ID: 2237378). Invitae Evidence Modeling of protein sequence and biophysical properties (such as structural, functional, and spatial information, amino acid conservation, physicochemical variation, residue mobility, and thermodynamic stability) indicates that this missense variant is not expected to disrupt COL7A1 protein function with a negative predictive value of 95%. In summary, the available evidence is currently insufficient to determine the role of this variant in disease. Therefore, it has been classified as a Variant of Uncertain Significance.

Ambry Genetics
Classification: Uncertain significance for Inborn genetic diseases. Last evaluated: 2021-07-14. Review status: criteria provided, single submitter. Criteria: Ambry Variant Classification Scheme 2023. Collection method: clinical testing. Allele origin: germline.